The following is an entry in ClinVar:

ClinVar aggregate classification (germline): Uncertain significance (1 of 4 stars; one submission).

gnomAD v4.1: 23 of 1,613,410 alleles (0.0014%); highest among the groups gnomAD compares: Admixed American, 0.0033%; no homozygotes.

Submission:

Labcorp Genetics (formerly Invitae), Labcorp
Classification: Uncertain significance. Last evaluated: 2025-09-03. Review status: criteria provided, single submitter. Criteria: Invitae Variant Classification Sherloc (09022015). Collection method: clinical testing. Allele origin: germline.
Comment: This sequence change replaces leucine, which is neutral and non-polar, with phenylalanine, which is neutral and non-polar, at codon 357 of the MMP13 protein (p.Leu357Phe). This variant is present in population databases (rs781855015, gnomAD 0.006%). This variant has not been reported in the literature in individuals affected with MMP13-related conditions. Invitae Evidence Modeling of protein sequence and biophysical properties (such as structural, functional, and spatial information, amino acid conservation, physicochemical variation, residue mobility, and thermodynamic stability) indicates that this missense variant is not expected to disrupt MMP13 protein function with a negative predictive value of 80%. In summary, the available evidence is currently insufficient to determine the role of this variant in disease. Therefore, it has been classified as a Variant of Uncertain Significance.

NM_002427.4(MMP13):c.1069C>T (p.Leu357Phe)

Gene: MMP13 (matrix metallopeptidase 13; minus strand). Cytogenetic location: 11q22.2.
Variant type: single nucleotide variant.
Coding change: c.1069C>T on transcript NM_002427.4 (MANE Select); coding-DNA position 1069, C replaced by T.
Protein change: p.Leu357Phe; replaces leucine 357 with phenylalanine.
Molecular consequence: missense variant.
Genome position (GRCh38, 1-based): chr11:102,948,033, G>A on the plus strand (C>T on the coding strand, the complement: MMP13 is on the minus strand). VCF-style: chr11-102948033-G-A. GRCh37 (hg19) VCF-style: chr11-102818762-G-A.
Other names: short protein forms L357F.
Identifiers: ClinVar variation 4705644 (VCV004705644.1).